The following is an entry in ClinVar:

ClinVar aggregate classification (germline): Uncertain significance (1 of 4 stars; one submission).

Conditions:
Congenital adrenal hyperplasia due to cytochrome P450 oxidoreductase deficiency. Also called: DISORDERED STEROIDOGENESIS DUE TO POR DEFICIENCY. Identifiers: Orphanet 95699, MedGen C1860042, MONDO:0013310, OMIM 613571.

Submission:

Labcorp Genetics (formerly Invitae), Labcorp
Classification: Uncertain significance for Congenital adrenal hyperplasia due to cytochrome P450 oxidoreductase deficiency. Last evaluated: 2022-10-24. Review status: criteria provided, single submitter. Criteria: Invitae Variant Classification Sherloc (09022015). Collection method: clinical testing. Allele origin: germline.
Comment: This sequence change replaces asparagine, which is neutral and polar, with lysine, which is basic and polar, at codon 595 of the POR protein (p.Asn595Lys). This variant is not present in population databases (gnomAD no frequency). This variant has not been reported in the literature in individuals affected with POR-related conditions. Advanced modeling of protein sequence and biophysical properties (such as structural, functional, and spatial information, amino acid conservation, physicochemical variation, residue mobility, and thermodynamic stability) performed at Invitae indicates that this missense variant is not expected to disrupt POR protein function. In summary, the available evidence is currently insufficient to determine the role of this variant in disease. Therefore, it has been classified as a Variant of Uncertain Significance.

NM_001395413.1(POR):c.1776C>G (p.Asn592Lys)

Gene: POR (cytochrome p450 oxidoreductase; plus strand). Cytogenetic location: 7q11.23.
Variant type: single nucleotide variant.
Coding change: c.1776C>G on transcript NM_001395413.1 (MANE Select); coding-DNA position 1776, C replaced by G.
Protein change: p.Asn592Lys; replaces asparagine 592 with lysine.
Molecular consequence: missense variant.
Genome position (GRCh38, 1-based): chr7:75,986,038, C>G. VCF-style: chr7-75986038-C-G. GRCh37 (hg19) VCF-style: chr7-75615356-C-G.
Other names: c.1785C>G, p.Asn595Lys (NM_000941.2, NM_000941.3); c.1776C>G, p.Asn592Lys (NM_001367562.3, NM_001382657.2, NM_001382658.3 and 1 more transcripts); c.1830C>G, p.Asn610Lys (NM_001382655.3); c.1626C>G, p.Asn542Lys (NM_001382662.3); short protein forms N595K, N610K, N592K, N542K.
Identifiers: ClinVar variation 1997573 (VCV001997573.4), dbSNP rs782559723, ClinGen allele CA367750669.
Genomic context (GRCh38, chr7:75,986,038, plus strand): 5'-CTACCTGTACCGGGAGGAGCTGGCGCAGTTCCACAGGGACGGTGCGCTCACCCAGCTCAA[C>G]GTGGCCTTCTCCCGGGAGCAGTCCCACAAGGTGAGACGGGCGGGCACCCACGAAGGTGGG-3'
Protein context (NP_001382342.1, residues 582-602): FHRDGALTQL[Asn592Lys]VAFSREQSHK